The following is an entry in ClinVar:

NM_014384.3(ACAD8):c.1000C>T (p.Arg334Cys)

Gene: ACAD8 (acyl-CoA dehydrogenase family member 8; plus strand). Cytogenetic location: 11q25.
Variant type: single nucleotide variant.
Coding change: c.1000C>T on transcript NM_014384.3 (MANE Select); coding-DNA position 1000, C replaced by T.
Protein change: p.Arg334Cys; replaces arginine 334 with cysteine.
Molecular consequence: missense variant.
Genome position (GRCh38, 1-based): chr11:134,261,798, C>T. VCF-style: chr11-134261798-C-T. GRCh37 (hg19) VCF-style: chr11-134131692-C-T.
Other names: short protein forms R334C.
Identifiers: ClinVar variation 658754 (VCV000658754.9), dbSNP rs778823613, ClinGen allele CA6373194.

ClinVar aggregate classification (germline): Pathogenic (1 of 4 stars; one submission).

Conditions:
Deficiency of isobutyryl-CoA dehydrogenase. Also called: IBD DEFICIENCY; ACAD8 DEFICIENCY; ACYL-CoA DEHYDROGENASE FAMILY, MEMBER 8, DEFICIENCY OF. Identifiers: Orphanet 79159, MedGen C1969809, MONDO:0012648, OMIM 611283.

Allele frequency attached by ClinVar (database versions not stated): gnomAD 0.00001; gnomAD exomes 0.00001 and 0.00003; ExAC 0.00002; TOPMed 0.00003.

Submission:

Labcorp Genetics (formerly Invitae), Labcorp
Classification: Pathogenic for Deficiency of isobutyryl-CoA dehydrogenase. Last evaluated: 2024-05-23. Review status: criteria provided, single submitter. Criteria: Invitae Variant Classification Sherloc (09022015). Collection method: clinical testing. Allele origin: germline.
Comment: This sequence change replaces arginine, which is basic and polar, with cysteine, which is neutral and slightly polar, at codon 334 of the ACAD8 protein (p.Arg334Cys). This variant is present in population databases (rs778823613, gnomAD 0.03%). This missense change has been observed in individual(s) with isobutyryl CoA dehydrogenase deficiency (PMID: 16857760, 17924841, 30253142, 35154245). In at least one individual the data is consistent with being in trans (on the opposite chromosome) from a pathogenic variant. ClinVar contains an entry for this variant (Variation ID: 658754). Advanced modeling of protein sequence and biophysical properties (such as structural, functional, and spatial information, amino acid conservation, physicochemical variation, residue mobility, and thermodynamic stability) performed at Invitae indicates that this missense variant is expected to disrupt ACAD8 protein function with a positive predictive value of 80%. For these reasons, this variant has been classified as Pathogenic.

Literature cited by the submitters: PubMed 16857760; PubMed 17924841; PubMed 30253142; PubMed 35154245.